The following is an entry in ClinVar:

NM_004960.4(FUS):c.1147C>T (p.Arg383Cys)

Gene: FUS (FUS RNA binding protein; plus strand). Cytogenetic location: 16p11.2.
Variant type: single nucleotide variant.
Coding change: c.1147C>T on transcript NM_004960.4 (MANE Select); coding-DNA position 1147, C replaced by T.
Protein change: p.Arg383Cys; replaces arginine 383 with cysteine.
Molecular consequence: missense variant. On other transcripts: non-coding transcript variant (1).
Genome position (GRCh38, 1-based): chr16:31,190,120, C>T. VCF-style: chr16-31190120-C-T. GRCh37 (hg19) VCF-style: chr16-31201441-C-T.
Other names: c.1144C>T, p.Arg382Cys (NM_001170634.1); c.1135C>T, p.Arg379Cys (NM_001170937.1); short protein forms R379C, R382C, R383C.
Identifiers: ClinVar variation 1509772 (VCV001509772.6), dbSNP rs776191869, ClinGen allele CA8023943.

ClinVar aggregate classification (germline): Uncertain significance (1 of 4 stars; one submission).

Conditions:
Amyotrophic lateral sclerosis type 6. Also called: FUS-Related Amyotrophic Laterial Sclerosis; AMYOTROPHIC LATERAL SCLEROSIS 6 WITHOUT FRONTOTEMPORAL DEMENTIA; Amyotrophic lateral sclerosis 6, with or without frontotemporal dementia. Identifiers: Orphanet 275872, Orphanet 803, MedGen C2931786, MONDO:0011951, OMIM 608030.
Tremor, hereditary essential, 4 (ETM4). Identifiers: MedGen C3539195, MONDO:0013888, OMIM 614782.

Allele frequency attached by ClinVar (database versions not stated): gnomAD exomes below 0.00001; ExAC 0.00001; gnomAD 0.00001; TOPMed 0.00002.
gnomAD v4.1: 6 of 1,613,824 alleles (0.00037%); highest among the groups gnomAD compares: African/African-American, 0.0013%; no homozygotes.

Submission:

Labcorp Genetics (formerly Invitae), Labcorp
Classification: Uncertain significance for Tremor, hereditary essential, 4; Amyotrophic lateral sclerosis type 6. Last evaluated: 2021-10-05. Review status: criteria provided, single submitter. Criteria: Invitae Variant Classification Sherloc (09022015). Collection method: clinical testing. Allele origin: germline.
Comment: In summary, the available evidence is currently insufficient to determine the role of this variant in disease. Therefore, it has been classified as a Variant of Uncertain Significance. Algorithms developed to predict the effect of missense changes on protein structure and function are either unavailable or do not agree on the potential impact of this missense change (SIFT: "Deleterious"; PolyPhen-2: "Benign"; Align-GVGD: "Class C25"). This variant has not been reported in the literature in individuals affected with FUS-related conditions. This variant is present in population databases (rs776191869, ExAC 0.01%). This sequence change replaces arginine with cysteine at codon 383 of the FUS protein (p.Arg383Cys). The arginine residue is highly conserved and there is a large physicochemical difference between arginine and cysteine.